The following is an entry in ClinVar:

ClinVar aggregate classification (germline): Uncertain significance (0 of 4 stars; one submission).

Conditions:
CEP290-related disorder. Also called: CEP290-related condition; CEP290-related disorders. Identifiers: MedGen CN239314.

Submission:

PreventionGenetics, part of Exact Sciences
Classification: Uncertain significance for CEP290-related condition. Last evaluated: 2023-11-13. Review status: no assertion criteria provided. Collection method: clinical testing. Allele origin: germline.
Comment: The CEP290 c.1556A>T variant is predicted to result in the amino acid substitution p.Glu519Val. To our knowledge, this variant has not been reported in the literature or in a large population database, indicating this variant is rare. At this time, the clinical significance of this variant is uncertain due to the absence of conclusive functional and genetic evidence.

NM_025114.4(CEP290):c.1556A>T (p.Glu519Val)

Gene: CEP290 (centrosomal protein 290; minus strand). Cytogenetic location: 12q21.32.
Variant type: single nucleotide variant.
Coding change: c.1556A>T on transcript NM_025114.4 (MANE Select); coding-DNA position 1556, A replaced by T.
Protein change: p.Glu519Val; replaces glutamic acid 519 with valine.
Molecular consequence: missense variant.
Genome position (GRCh38, 1-based): chr12:88,118,710, T>A on the plus strand (A>T on the coding strand, the complement: CEP290 is on the minus strand). VCF-style: chr12-88118710-T-A. GRCh37 (hg19) VCF-style: chr12-88512487-T-A.
Other names: short protein forms E519V.
Identifiers: ClinVar variation 3350015 (VCV003350015.1).
Genomic context (GRCh38, chr12:88,118,710, plus strand): 5'-AAAAGAATCTGGTTTTCAGCTCTGTACTGCTGCTGTTTTAAGTGTTTGCTATTTCTAAAT[T>A]CAGTTAAATCAATCATTGTCTTTGGTTCAAGGCCTACAATAGAAAGCAATATAATTAAAA-3'
Protein context (NP_079390.3, residues 509-529): LEPKTMIDLT[Glu519Val]FRNSKHLKQQ